The following is an entry in ClinVar:

NM_021930.6(RINT1):c.283A>G (p.Ile95Val)

Gene: RINT1 (RAD50 interactor 1; plus strand). Cytogenetic location: 7q22.3.
Variant type: single nucleotide variant.
Coding change: c.283A>G on transcript NM_021930.6 (MANE Select); coding-DNA position 283, A replaced by G.
Protein change: p.Ile95Val; replaces isoleucine 95 with valine.
Molecular consequence: missense variant. On other transcripts: 5 prime UTR variant (3), non-coding transcript variant (1).
Genome position (GRCh38, 1-based): chr7:105,542,417, A>G. VCF-style: chr7-105542417-A-G. GRCh37 (hg19) VCF-style: chr7-105182864-A-G.
Other names: c.49A>G, p.Ile17Val (NM_001346599.2); c.-737A>G (NM_001346600.2); c.-640A>G (NM_001346601.2); c.-260A>G (NM_001346603.2); short protein forms I95V, I17V.
Identifiers: ClinVar variation 2447173 (VCV002447173.6), dbSNP rs775644844, ClinGen allele CA4426398.

ClinVar aggregate classification (germline): Uncertain significance. Review status: criteria provided, multiple submitters, no conflicts (2 of 4 stars). 2 submissions from 2 submitters: Uncertain significance (2). Last evaluated 2025-04-29.

Allele frequency attached by ClinVar (database versions not stated): ExAC 0.00001; gnomAD exomes 0.00001.
gnomAD v4.1: 7 of 1,602,590 alleles (0.00044%); highest among the groups gnomAD compares: South Asian, 0.0055%; 1 homozygote.

Submissions (2):

Ambry Genetics
Classification: Uncertain significance. Last evaluated: 2025-04-29. Review status: criteria provided, single submitter. Criteria: Ambry Variant Classification Scheme 2023. Collection method: clinical testing. Allele origin: germline.
Comment: The p.I95V variant (also known as c.283A>G), located in coding exon 4 of the RINT1 gene, results from an A to G substitution at nucleotide position 283. The isoleucine at codon 95 is replaced by valine, an amino acid with highly similar properties. This amino acid position is poorly conserved in available vertebrate species. In addition, this alteration is predicted to be tolerated by in silico analysis. The evidence for this gene-disease relationship is limited; therefore, the clinical significance of this alteration is unclear.

Labcorp Genetics (formerly Invitae), Labcorp
Classification: Uncertain significance. Last evaluated: 2023-08-16. Review status: criteria provided, single submitter. Criteria: Invitae Variant Classification Sherloc (09022015). Collection method: clinical testing. Allele origin: germline.
Comment: In summary, the available evidence is currently insufficient to determine the role of this variant in disease. Therefore, it has been classified as a Variant of Uncertain Significance. Algorithms developed to predict the effect of missense changes on protein structure and function output the following: SIFT: "Not Available"; PolyPhen-2: "Benign"; Align-GVGD: "Not Available". The valine amino acid residue is found in multiple mammalian species, which suggests that this missense change does not adversely affect protein function. ClinVar contains an entry for this variant (Variation ID: 2447173). This variant has not been reported in the literature in individuals affected with RINT1-related conditions. This variant is present in population databases (rs775644844, gnomAD 0.003%). This sequence change replaces isoleucine, which is neutral and non-polar, with valine, which is neutral and non-polar, at codon 95 of the RINT1 protein (p.Ile95Val).